The following is an entry in ClinVar:

NC_000006.12:g.(?_87555398)_(87555515_?)del

Gene: RARS2 (arginyl-tRNA synthetase 2, mitochondrial; minus strand). Cytogenetic location: 6q15.
Variant type: Deletion.
Identifiers: ClinVar variation 833491 (VCV000833491.7).

ClinVar aggregate classification (germline): Pathogenic (1 of 4 stars; one submission).

Submission:

Labcorp Genetics (formerly Invitae), Labcorp
Classification: Pathogenic. Last evaluated: 2022-10-06. Review status: criteria provided, single submitter. Criteria: Invitae Variant Classification Sherloc (09022015). Collection method: clinical testing. Allele origin: germline.
Comment: This variant is a gross deletion of the genomic region encompassing exon(s) 5 of the RARS2 gene. This deletion is out-of-frame, and is expected to create a premature termination codon and result in an absent or disrupted protein product. Loss-of-function variants in RARS2 are known to be pathogenic (PMID: 17847012, 22569581, 26083569). This variant has not been reported in the literature in individuals affected with RARS2-related conditions. For these reasons, this variant has been classified as Pathogenic.

Literature cited by the submitters: PubMed 17847012; PubMed 22569581; PubMed 26083569.